The following is an entry in ClinVar:

NM_000168.6(GLI3):c.341G>A (p.Arg114Lys)

Gene: GLI3 (GLI family zinc finger 3; minus strand). Cytogenetic location: 7p14.1.
Variant type: single nucleotide variant.
Coding change: c.341G>A on transcript NM_000168.6 (MANE Select); coding-DNA position 341, G replaced by A.
Protein change: p.Arg114Lys; replaces arginine 114 with lysine.
Molecular consequence: missense variant.
Genome position (GRCh38, 1-based): chr7:42,148,252, C>T on the plus strand (G>A on the coding strand, the complement: GLI3 is on the minus strand). VCF-style: chr7-42148252-C-T. GRCh37 (hg19) VCF-style: chr7-42187851-C-T.
Other names: p.Arg114Lys; short protein forms R114K.
Identifiers: ClinVar variation 360260 (VCV000360260.53), dbSNP rs146458902, ClinGen allele CA4231240.

ClinVar aggregate classification (germline): Benign/Likely benign. Review status: criteria provided, multiple submitters, no conflicts (2 of 4 stars). 15 submissions from 13 submitters: Benign (6); Likely benign (8). 1 of the submissions does not count toward it. Last evaluated 2026-09-01.

Conditions:
Greig cephalopolysyndactyly syndrome (GCPS). Also called: Greig syndrome; GLI3-Related Greig Cephalopolysyndactyly Syndrome; POLYSYNDACTYLY WITH PECULIAR SKULL SHAPE. Identifiers: Orphanet 380, MedGen C0265306, MONDO:0008287, OMIM 175700.
Pallister-Hall syndrome (PHS). Also called: GLI3-Related Pallister-Hall Syndrome; HYPOTHALAMIC HAMARTOBLASTOMA, HYPOPITUITARISM, IMPERFORATE ANUS, AND POSTAXIAL POLYDACTYLY. Identifiers: Orphanet 672, MedGen C0265220, MONDO:0007804, OMIM 146510.
Polydactyly, postaxial, type A1. Identifiers: MedGen C4282400, MONDO:0008266, OMIM 174200.
Polysyndactyly 4. Also called: Polysyndactyly uncomplicated; Preaxial polydactyly 4. Identifiers: Orphanet 93338, MedGen C1868111, MONDO:0008272, OMIM 174700.
Polydactyly. Also called: polydactylism. Identifiers: MedGen C0152427, MONDO:0021003, OMIM 603596, HP:0010442.
GLI3-related disorder. Also called: GLI3-related condition; GLI3-related disorders. Identifiers: MedGen CN239292.

Allele frequency attached by ClinVar (database versions not stated): 1000 Genomes Project 30x 0.00031; 1000 Genomes Project 0.00040; gnomAD exomes 0.00242 and 0.00449; TOPMed 0.00257; gnomAD 0.00263 and 0.00274; ExAC 0.00300; ESP Exome Variant Server 0.00331.
gnomAD v4.1: 6,895 of 1,612,252 alleles (0.43%); highest among the groups gnomAD compares: Non-Finnish European, 0.54%; 18 homozygotes.

Submissions (15):

CeGaT Center for Human Genetics Tuebingen
Classification: Likely benign. Last evaluated: 2026-09-01. Review status: criteria provided, single submitter. Criteria: CeGaT Center For Human Genetics Tuebingen Variant Classification Criteria Version 2. Collection method: clinical testing. Allele origin: germline. Affected: yes. Observed: 15 variant alleles.
Comment: GLI3: BS1

Labcorp Genetics (formerly Invitae), Labcorp
Classification: Benign for Pallister-Hall syndrome; Greig cephalopolysyndactyly syndrome. Last evaluated: 2025-12-21. Review status: criteria provided, single submitter. Criteria: Invitae Variant Classification Sherloc (09022015). Collection method: clinical testing. Allele origin: germline.

Mayo Clinic Laboratories, Mayo Clinic
Classification: Likely benign. Last evaluated: 2025-09-08. Review status: criteria provided, single submitter. Criteria: ACMG Guidelines, 2015. Collection method: clinical testing. Allele origin: germline. Observed: 1 variant allele.
Comment: BS1, BS2, PP3

Blueprint Genetics
Classification: Likely benign. Last evaluated: 2024-11-21. Review status: criteria provided, single submitter. Criteria: ACMG Guidelines, 2015. Collection method: clinical testing. Allele origin: germline.

Fulgent Genetics
Classification: Likely benign for Pallister-Hall syndrome; Polydactyly, postaxial, type A1; Polysyndactyly 4; Greig cephalopolysyndactyly syndrome. Last evaluated: 2022-04-05. Review status: criteria provided, single submitter. Criteria: ACMG Guidelines, 2015. Collection method: clinical testing. Allele origin: unknown.

Mendelics
Classification: Likely benign for Greig cephalopolysyndactyly syndrome. Last evaluated: 2019-05-28. Review status: criteria provided, single submitter. Criteria: Mendelics Assertion Criteria 2017. Collection method: clinical testing. Allele origin: unknown.

Illumina Laboratory Services, Illumina
Classification: Benign for Greig cephalopolysyndactyly syndrome. Last evaluated: 2018-01-13. Review status: criteria provided, single submitter. Criteria: ICSL Variant Classification Criteria 13 December 2019. Collection method: clinical testing. Allele origin: germline.
Comment: This variant was observed in the ICSL laboratory as part of a predisposition screen in an ostensibly healthy population. It had not been previously curated by ICSL or reported in the Human Gene Mutation Database (HGMD: prior to June 1st, 2018), and was therefore a candidate for classification through an automated scoring system. Utilizing variant allele frequency, disease prevalence and penetrance estimates, and inheritance mode, an automated score was calculated to assess if this variant is too frequent to cause the disease. Based on the score and internal cut-off values, a variant classified as benign is not then subjected to further curation. The score for this variant resulted in a classification of benign for this disease.

Illumina Laboratory Services, Illumina
Classification: Benign for Polydactyly. Last evaluated: 2018-01-13. Review status: criteria provided, single submitter. Criteria: ICSL Variant Classification Criteria 13 December 2019. Collection method: clinical testing. Allele origin: germline.
Comment: the same text as in the submission from Illumina Laboratory Services, Illumina above.

Illumina Laboratory Services, Illumina
Classification: Benign for Pallister-Hall syndrome. Last evaluated: 2018-01-13. Review status: criteria provided, single submitter. Criteria: ICSL Variant Classification Criteria 13 December 2019. Collection method: clinical testing. Allele origin: germline.
Comment: the same text as in the submission from Illumina Laboratory Services, Illumina above.

Genetic Services Laboratory, University of Chicago
Classification: Benign. Last evaluated: 2017-11-02. Review status: criteria provided, single submitter. Criteria: ACMG Guidelines, 2015. Collection method: clinical testing. Allele origin: germline. Affected: no.

Eurofins Ntd Llc (ga)
Classification: Likely benign. Last evaluated: 2017-09-07. Review status: criteria provided, single submitter. Criteria: EGL Classification Definitions 2015. Collection method: clinical testing. Allele origin: germline. Observed: 1 variant allele, 1 heterozygote.

Center for Pediatric Genomic Medicine, Children's Mercy Hospital and Clinics
Classification: Likely benign. Last evaluated: 2017-06-19. Review status: criteria provided, single submitter. Criteria: ACMG Guidelines, 2015. Collection method: clinical testing. Allele origin: germline.

GeneDx
Classification: Benign. Last evaluated: 2017-04-20. Review status: criteria provided, single submitter. Criteria: GeneDx Variant Classification (06012015). Collection method: clinical testing. Allele origin: germline. Affected: yes.
Comment: This variant is considered likely benign or benign based on one or more of the following criteria: it is a conservative change, it occurs at a poorly conserved position in the protein, it is predicted to be benign by multiple in silico algorithms, and/or has population frequency not consistent with disease.

Breakthrough Genomics
Classification: Likely benign. Review status: criteria provided, single submitter. Criteria: ACMG Guidelines, 2015. Collection method: not provided. Allele origin: germline. Inheritance: Autosomal dominant inheritance. Affected: yes.

PreventionGenetics, part of Exact Sciences
Classification: Likely benign for GLI3-related condition. Last evaluated: 2019-02-28. Review status: no assertion criteria provided. Collection method: clinical testing. Allele origin: germline. Not counted in ClinVar's aggregate classification.
Comment: This variant is classified as likely benign based on ACMG/AMP sequence variant interpretation guidelines (Richards et al. 2015 PMID: 25741868, with internal and published modifications).

Literature cited by the submitters: PubMed 24651015 (cited by Mayo Clinic Laboratories, Mayo Clinic); PubMed 27502037 (cited by Mayo Clinic Laboratories, Mayo Clinic); PubMed 30476936 (cited by Mayo Clinic Laboratories, Mayo Clinic); PubMed 34426522 (cited by Mayo Clinic Laboratories, Mayo Clinic); PubMed 34662886 (cited by Mayo Clinic Laboratories, Mayo Clinic).